The following is an entry in ClinVar:

ClinVar aggregate classification (germline): Likely benign. Review status: criteria provided, single submitter (1 of 4 stars). 2 submissions from 2 submitters: Likely benign (1). 1 of the submissions does not count toward it. Last evaluated 2026-01-11.

Conditions:
DUOX2-related disorder. Also called: DUOX2-related condition.

Allele frequency attached by ClinVar (database versions not stated): ExAC 0.00051; 1000 Genomes Project 30x 0.00156; 1000 Genomes Project 0.00160; ESP Exome Variant Server 0.00162; gnomAD 0.00169 and 0.00179; TOPMed 0.00211.
gnomAD v4.1: 542 of 1,614,212 alleles (0.034%); highest among the groups gnomAD compares: African/African-American, 0.65%; 4 homozygotes.

Submissions (2):

Labcorp Genetics (formerly Invitae), Labcorp
Classification: Likely benign. Last evaluated: 2026-01-11. Review status: criteria provided, single submitter. Criteria: Invitae Variant Classification Sherloc (09022015). Collection method: clinical testing. Allele origin: germline.

PreventionGenetics, part of Exact Sciences
Classification: Likely benign for DUOX2-related condition. Last evaluated: 2019-08-05. Review status: no assertion criteria provided. Collection method: clinical testing. Allele origin: germline. Not counted in ClinVar's aggregate classification.
Comment: This variant is classified as likely benign based on ACMG/AMP sequence variant interpretation guidelines (Richards et al. 2015 PMID: 25741868, with internal and published modifications).

NM_001363711.2(DUOX2):c.2704G>A (p.Glu902Lys)

Gene: DUOX2 (dual oxidase 2; minus strand). Cytogenetic location: 15q21.1.
Variant type: single nucleotide variant.
Coding change: c.2704G>A on transcript NM_001363711.2 (MANE Select); coding-DNA position 2704, G replaced by A.
Protein change: p.Glu902Lys; replaces glutamic acid 902 with lysine.
Molecular consequence: missense variant.
Genome position (GRCh38, 1-based): chr15:45,101,940, C>T on the plus strand (G>A on the coding strand, the complement: DUOX2 is on the minus strand). VCF-style: chr15-45101940-C-T. GRCh37 (hg19) VCF-style: chr15-45394138-C-T.
Other names: c.2704G>A, p.Glu902Lys (NM_014080.5); short protein forms E902K.
Identifiers: ClinVar variation 758682 (VCV000758682.13), dbSNP rs138926644, ClinGen allele CA7538168.